The following is an entry in ClinVar:

ClinVar aggregate classification (germline): Uncertain significance (1 of 4 stars; one submission).

Submission:

GeneDx
Classification: Uncertain significance. Last evaluated: 2019-12-10. Review status: criteria provided, single submitter. Criteria: GeneDx Variant Classification Process June 2021. Collection method: clinical testing. Allele origin: germline. Affected: yes.
Comment: Not observed in large population cohorts (Lek et al., 2016); In silico analysis, which includes protein predictors and evolutionary conservation, supports that this variant does not alter protein structure/function; Has not been previously published as pathogenic or benign to our knowledge

NM_001170629.2(CHD8):c.661A>T (p.Asn221Tyr)

Gene: CHD8 (chromodomain helicase DNA binding protein 8; minus strand). Cytogenetic location: 14q11.2.
Variant type: single nucleotide variant.
Coding change: c.661A>T on transcript NM_001170629.2 (MANE Select); coding-DNA position 661, A replaced by T.
Protein change: p.Asn221Tyr; replaces asparagine 221 with tyrosine.
Molecular consequence: missense variant. On other transcripts: intron variant (1).
Genome position (GRCh38, 1-based): chr14:21,430,983, T>A on the plus strand (A>T on the coding strand, the complement: CHD8 is on the minus strand). VCF-style: chr14-21430983-T-A. GRCh37 (hg19) VCF-style: chr14-21899142-T-A.
Other names: c.6+828A>T (NM_020920.4); short protein forms N221Y.
Identifiers: ClinVar variation 1310906 (VCV001310906.2), dbSNP rs2139539395, ClinGen allele CA388887601.